The following is an entry in ClinVar:

ClinVar aggregate classification (germline): Benign/Likely benign. Review status: criteria provided, multiple submitters, no conflicts (2 of 4 stars). 12 submissions from 12 submitters: Benign (3); Likely benign (5). 4 of the submissions do not count toward it. Last evaluated 2026-05-19.

Conditions:
Cardiovascular phenotype. Identifiers: MedGen CN230736.
ALPK3-related disorder. Also called: ALPK3-related condition.
Cardiomyopathy, familial hypertrophic 27. Identifiers: MedGen C4748014, MONDO:0054838, OMIM 618052.

Allele frequency attached by ClinVar (database versions not stated): gnomAD exomes 0.00066 and 0.00110; ExAC 0.00107; gnomAD 0.00276 and 0.00292; TOPMed 0.00287; 1000 Genomes Project 30x 0.00297; 1000 Genomes Project 0.00300; ESP Exome Variant Server 0.00323.
gnomAD v4.1: 1,405 of 1,580,722 alleles (0.089%); highest among the groups gnomAD compares: African/African-American, 0.82%; 4 homozygotes.

Submissions (12):

Women's Health and Genetics/Laboratory Corporation of America, LabCorp
Classification: Likely benign. Last evaluated: 2026-05-19. Review status: criteria provided, single submitter. Criteria: LabCorp Variant Classification Summary - May 2015. Collection method: clinical testing. Allele origin: germline.
Comment: Variant summary: ALPK3 c.1382G>A (p.Gly461Asp) results in a non-conservative amino acid change in the encoded protein sequence. Algorithms developed to predict the effect of missense changes on protein structure and function are either unavailable or do not agree on the potential impact of this missense change. The variant allele was found at a frequency of 0.0011 in 221364 control chromosomes, predominantly at a frequency of 0.0079 within the African or African-American subpopulation in the gnomAD database, including 2 homozygotes. The observed variant frequency within African or African-American control individuals in the gnomAD database exceeds the estimated maximal expected allele frequency for disease-causing variants in ALPK3. To our knowledge, no occurrence of c.1382G>A in individuals affected with ALPK3-related conditions and no experimental evidence demonstrating its impact on protein function have been reported. ClinVar contains an entry for this variant (Variation ID: 682812). Based on the evidence outlined above, the variant was classified as likely benign.

Labcorp Genetics (formerly Invitae), Labcorp
Classification: Benign. Last evaluated: 2026-02-03. Review status: criteria provided, single submitter. Criteria: Invitae Variant Classification Sherloc (09022015). Collection method: clinical testing. Allele origin: germline.

ARUP Laboratories, Molecular Genetics and Genomics, ARUP Laboratories
Classification: Likely benign for Cardiomyopathy, familial hypertrophic 27. Last evaluated: 2025-07-23. Review status: criteria provided, single submitter. Criteria: ARUP Molecular Germline Variant Investigation Process 2024. Collection method: clinical testing. Allele origin: germline.

Molecular Diagnostic Laboratory for Inherited Cardiovascular Disease, Montreal Heart Institute
Classification: Likely benign. Last evaluated: 2025-04-09. Review status: criteria provided, single submitter. Criteria: ACMG Guidelines, 2015. Collection method: clinical testing. Allele origin: germline. Affected: no.

Blueprint Genetics
Classification: Likely benign. Last evaluated: 2024-11-14. Review status: criteria provided, single submitter. Criteria: ACMG Guidelines, 2015. Collection method: clinical testing. Allele origin: germline.

GeneDx
Classification: Benign. Last evaluated: 2020-07-31. Review status: criteria provided, single submitter. Criteria: GeneDx Variant Classification Process June 2021. Collection method: clinical testing. Allele origin: germline. Affected: yes.
Comment: This variant is associated with the following publications: (PMID: 26659599)

Ambry Genetics
Classification: Likely benign for Cardiovascular phenotype. Last evaluated: 2019-01-03. Review status: criteria provided, single submitter. Criteria: Ambry Variant Classification Scheme 2023. Collection method: clinical testing. Allele origin: germline.

Breakthrough Genomics
Classification: Benign. Review status: criteria provided, single submitter. Criteria: ACMG Guidelines, 2015. Collection method: not provided. Allele origin: germline. Inheritance: Autosomal recessive inheritance. Affected: yes.

PreventionGenetics, part of Exact Sciences
Classification: Benign for ALPK3-related condition. Last evaluated: 2019-10-07. Review status: no assertion criteria provided. Collection method: clinical testing. Allele origin: germline. Not counted in ClinVar's aggregate classification.
Comment: This variant is classified as benign based on ACMG/AMP sequence variant interpretation guidelines (Richards et al. 2015 PMID: 25741868, with internal and published modifications).

Clinical Genetics DNA and cytogenetics Diagnostics Lab, Erasmus MC, Erasmus Medical Center
Classification: Likely benign. Review status: no assertion criteria provided. Collection method: clinical testing. Allele origin: germline. Affected: yes. Study: VKGL Data-share Consensus. Not counted in ClinVar's aggregate classification.

Clinical Genetics, Academic Medical Center
Classification: Benign. Review status: no assertion criteria provided. Collection method: clinical testing. Allele origin: germline. Affected: yes. Study: VKGL Data-share Consensus. Not counted in ClinVar's aggregate classification.

Genome Diagnostics Laboratory, University Medical Center Utrecht
Classification: Benign. Review status: no assertion criteria provided. Collection method: clinical testing. Allele origin: germline. Affected: yes. Study: VKGL Data-share Consensus. Not counted in ClinVar's aggregate classification.

NM_020778.5(ALPK3):c.1382G>A (p.Gly461Asp)

Gene: ALPK3 (alpha kinase 3; plus strand). Cytogenetic location: 15q25.3.
Variant type: single nucleotide variant.
Coding change: c.1382G>A on transcript NM_020778.5 (MANE Select); coding-DNA position 1382, G replaced by A.
Protein change: p.Gly461Asp; replaces glycine 461 with aspartic acid.
Molecular consequence: missense variant.
Genome position (GRCh38, 1-based): chr15:84,840,661, G>A. VCF-style: chr15-84840661-G-A. GRCh37 (hg19) VCF-style: chr15-85383892-G-A.
Other names: short protein forms G663D, G461D.
Identifiers: ClinVar variation 682812 (VCV000682812.29), dbSNP rs34409363, ClinGen allele CA7709173.